The following is an entry in ClinVar:

NM_000551.4(VHL):c.*70C>T

Genes: VHL (von Hippel-Lindau tumor suppressor; plus strand), LOC107303340 (3p25 von Hippel-Lindau tumor suppressor, E3 ubiquitin protein ligase Alu-mediated recombination region; plus strand). Cytogenetic location: 3p25.3.
Variant type: single nucleotide variant.
Coding change: c.*70C>T on transcript NM_000551.4 (MANE Select); 70 bases downstream of the stop codon, C replaced by T.
Molecular consequence: 3 prime UTR variant.
Genome position (GRCh38, 1-based): chr3:10,150,035, C>T. VCF-style: chr3-10150035-C-T. GRCh37 (hg19) VCF-style: chr3-10191719-C-T.
Other names: c.*266C>T (NM_001354723.2); c.*70C>T (NM_198156.3).
Identifiers: ClinVar variation 900551 (VCV000900551.20), dbSNP rs552290225, ClinGen allele CA70052740.

ClinVar aggregate classification (germline): Benign/Likely benign. Review status: criteria provided, multiple submitters, no conflicts (2 of 4 stars). 8 submissions from 8 submitters: Benign (3); Likely benign (4). 1 of the submissions does not count toward it. Last evaluated 2026-02-01.

Conditions:
VHL-related disorder. Also called: VHL-related condition.
Von Hippel-Lindau syndrome (VHLS). Also called: VHL syndrome; Von Hippel-Lindau; von Hippel–Lindau syndrome. Identifiers: Orphanet 892, MedGen C0019562, MONDO:0008667, OMIM 193300. Disease mechanism: loss of function.
Chuvash polycythemia. Also called: POLYCYTHEMIA, VHL-DEPENDENT. Identifiers: Orphanet 238557, MedGen C1837915, MONDO:0009892, OMIM 263400.
Hereditary cancer-predisposing syndrome. Also called: Hereditary Cancer Syndrome; Tumor predisposition; Hereditary neoplastic syndrome; Neoplastic Syndromes, Hereditary. Identifiers: Orphanet 140162, MedGen C0027672, MeSH D009386, MONDO:0015356.

Allele frequency attached by ClinVar (database versions not stated): gnomAD exomes 0.00010; gnomAD 0.00011 and 0.00016; TOPMed 0.00024; 1000 Genomes Project 30x 0.00047; 1000 Genomes Project 0.00060.
gnomAD v4.1: 163 of 1,567,806 alleles (0.01%); highest among the groups gnomAD compares: East Asian, 0.37%; 1 homozygote.

Submissions (8):

Labcorp Genetics (formerly Invitae), Labcorp
Classification: Benign for Von Hippel-Lindau syndrome; Chuvash polycythemia. Last evaluated: 2026-02-01. Review status: criteria provided, single submitter. Criteria: Invitae Variant Classification Sherloc (09022015). Collection method: clinical testing. Allele origin: germline.

PreventionGenetics, part of Exact Sciences
Classification: Likely benign for VHL-related condition. Last evaluated: 2025-10-27. Review status: criteria provided, single submitter. Criteria: ACMG Guidelines, 2015. Collection method: clinical testing. Allele origin: germline.
Comment: This variant is classified as likely benign based on ACMG/AMP sequence variant interpretation guidelines (Richards et al. 2015 PMID: 25741868, with internal and published modifications).

Women's Health and Genetics/Laboratory Corporation of America, LabCorp
Classification: Benign. Last evaluated: 2025-05-27. Review status: criteria provided, single submitter. Criteria: LabCorp Variant Classification Summary - May 2015. Collection method: clinical testing. Allele origin: germline.
Comment: Variant summary: VHL c.*70C>T is located in the untranslated mRNA region downstream of the termination codon. The variant allele was found at a frequency of 0.0001 in 1567806 control chromosomes in the gnomAD database, including one homozygote. The observed variant frequency is approximately 5 fold of the estimated maximal expected allele frequency for a pathogenic variant in VHL causing Von Hippel-Lindau Syndrome phenotype (2.1e-05). c.*70C>T has been observed in individuals affected with Von Hippel-Lindau Syndrome (Peng_2017). These reports do not provide unequivocal conclusions about association of the variant with Von Hippel-Lindau Syndrome. To our knowledge, no experimental evidence demonstrating an impact on protein function has been reported. The following publications have been ascertained in the context of this evaluation (PMID: 29790589, 28388566). ClinVar contains an entry for this variant (Variation ID: 900551). Based on the evidence outlined above, the variant was classified as benign.

Sema4
Classification: Likely benign for Hereditary cancer-predisposing syndrome. Last evaluated: 2021-07-12. Review status: criteria provided, single submitter. Criteria: Sema4 Curation Guidelines. Collection method: curation. Allele origin: germline.

GeneDx
Classification: Likely benign. Last evaluated: 2018-03-29. Review status: criteria provided, single submitter. Criteria: GeneDx Variant Classification Process June 2021. Collection method: clinical testing. Allele origin: germline. Affected: yes.
Comment: This variant is associated with the following publications: (PMID: 29790589, 28388566)

Illumina Laboratory Services, Illumina
Classification: Benign for Von Hippel-Lindau syndrome. Last evaluated: 2018-01-13. Review status: criteria provided, single submitter. Criteria: ICSL Variant Classification Criteria 13 December 2019. Collection method: clinical testing. Allele origin: germline.
Comment: This variant was observed in the ICSL laboratory as part of a predisposition screen in an ostensibly healthy population. It had not been previously curated by ICSL or reported in the Human Gene Mutation Database (HGMD: prior to June 1st, 2018), and was therefore a candidate for classification through an automated scoring system. Utilizing variant allele frequency, disease prevalence and penetrance estimates, and inheritance mode, an automated score was calculated to assess if this variant is too frequent to cause the disease. Based on the score and internal cut-off values, a variant classified as benign is not then subjected to further curation. The score for this variant resulted in a classification of benign for this disease.

Breakthrough Genomics
Classification: Likely benign. Review status: criteria provided, single submitter. Criteria: ACMG Guidelines, 2015. Collection method: not provided. Allele origin: germline. Inheritance: Autosomal recessive inheritance. Affected: yes.

Department of Pathology and Laboratory Medicine, Sinai Health System
Classification: Likely pathogenic for von Hippel-Lindau disease. Review status: flagged submission. Criteria: ACMG Guidelines, 2015. Collection method: clinical testing. Allele origin: germline. Not counted in ClinVar's aggregate classification.
ClinVar note: Reason: Outlier claim with insufficient supporting evidence

Literature cited by the submitters: PubMed 29790589 (cited by Women's Health and Genetics/Laboratory Corporation of America, LabCorp); PubMed 28388566 (cited by Women's Health and Genetics/Laboratory Corporation of America, LabCorp).